The following is an entry in ClinVar:

NM_001366385.1(CARD14):c.2219+14T>G

Genes: CARD14 (caspase recruitment domain family member 14; plus strand), SGSH (N-sulfoglucosamine sulfohydrolase; minus strand). Cytogenetic location: 17q25.3.
Variant type: single nucleotide variant.
Coding change: c.2219+14T>G on transcript NM_001366385.1 (MANE Select); 14 bases into the intron after coding-DNA position 2219, T replaced by G.
Molecular consequence: intron variant. On other transcripts: 3 prime UTR variant (1).
Genome position (GRCh38, 1-based): chr17:80,202,434, T>G. VCF-style: chr17-80202434-T-G. GRCh37 (hg19) VCF-style: chr17-78176233-T-G.
Other names: c.*10T>G (NM_001257970.1); c.2219+14T>G (NM_024110.4).
Identifiers: ClinVar variation 1165098 (VCV001165098.18), dbSNP rs8069255, ClinGen allele CA8817219.

ClinVar aggregate classification (germline): Benign/Likely benign. Review status: criteria provided, multiple submitters, no conflicts (2 of 4 stars). 7 submissions from 7 submitters: Benign (5); Likely benign (1). 1 of the submissions does not count toward it. Last evaluated 2026-02-04.

Conditions:
CARD14-related disorder. Also called: CARD14-related condition.
Pityriasis rubra pilaris (PRP). Also called: Pityriasis rubra pilaris--familial type. Identifiers: Orphanet 2897, MedGen C0032027, MONDO:0100017, OMIM 173200, MONDO:0008251.
Psoriasis 2. Identifiers: MedGen C1864497, MONDO:0011269, OMIM 602723.

Allele frequency attached by ClinVar (database versions not stated): 1000 Genomes Project 30x 0.03888; 1000 Genomes Project 0.04054.
gnomAD v4.1: 25,718 of 1,604,998 alleles (1.6%); highest among the groups gnomAD compares: African/African-American, 6.8%; 460 homozygotes.

Submissions (7):

Labcorp Genetics (formerly Invitae), Labcorp
Classification: Benign for Pityriasis rubra pilaris; Psoriasis 2. Last evaluated: 2026-02-04. Review status: criteria provided, single submitter. Criteria: Invitae Variant Classification Sherloc (09022015). Collection method: clinical testing. Allele origin: germline.

Women's Health and Genetics/Laboratory Corporation of America, LabCorp
Classification: Benign. Last evaluated: 2026-01-22. Review status: criteria provided, single submitter. Criteria: LabCorp Variant Classification Summary - May 2015. Collection method: clinical testing. Allele origin: germline.

Blueprint Genetics
Classification: Likely benign. Last evaluated: 2024-11-26. Review status: criteria provided, single submitter. Criteria: ACMG Guidelines, 2015. Collection method: clinical testing. Allele origin: germline.

Fulgent Genetics
Classification: Benign for Pityriasis rubra pilaris; Psoriasis 2. Last evaluated: 2021-08-25. Review status: criteria provided, single submitter. Criteria: ACMG Guidelines, 2015. Collection method: clinical testing. Allele origin: unknown.

GeneDx
Classification: Benign. Last evaluated: 2019-02-04. Review status: criteria provided, single submitter. Criteria: GeneDx Variant Classification Process June 2021. Collection method: clinical testing. Allele origin: germline. Affected: yes.

Breakthrough Genomics
Classification: Benign. Review status: criteria provided, single submitter. Criteria: ACMG Guidelines, 2015. Collection method: not provided. Allele origin: germline. Inheritance: Autosomal dominant inheritance. Affected: yes.

PreventionGenetics, part of Exact Sciences
Classification: Benign for CARD14-related condition. Last evaluated: 2019-04-01. Review status: no assertion criteria provided. Collection method: clinical testing. Allele origin: germline. Not counted in ClinVar's aggregate classification.
Comment: This variant is classified as benign based on ACMG/AMP sequence variant interpretation guidelines (Richards et al. 2015 PMID: 25741868, with internal and published modifications).